The following is an entry in ClinVar:

ClinVar aggregate classification (germline): Likely pathogenic (1 of 4 stars; one submission).

Conditions:
Developmental and epileptic encephalopathy 94 (DEE94). Also called: CHD2-Related Neurodevelopmental Disorders; Epileptic encephalopathy, childhood-onset. Identifiers: Orphanet 1942, Orphanet 2382, MedGen C3809278, MONDO:0014150, OMIM 615369.

Submission:

Juno Genomics, Hangzhou Juno Genomics, Inc
Classification: Likely pathogenic for Developmental and epileptic encephalopathy 94. Review status: criteria provided, single submitter. Criteria: ACMG Guidelines, 2015. Collection method: clinical testing. Allele origin: germline. Affected: yes.
Comment: Absent from controls (or at extremely low frequency if recessive) in Genome Aggregation Database, Exome Sequencing Project, 1000 Genomes Project, or Exome Aggregation Consortium.;Null variant in a gene where loss of function (LOF) is a known mechanism of disease.

NM_001271.4(CHD2):c.2080G>T (p.Glu694Ter)

Gene: CHD2 (chromodomain helicase DNA binding protein 2; plus strand). Cytogenetic location: 15q26.1.
Variant type: single nucleotide variant.
Coding change: c.2080G>T on transcript NM_001271.4 (MANE Select); coding-DNA position 2080, G replaced by T.
Protein change: p.Glu694Ter; replaces glutamic acid 694 with a stop codon.
Molecular consequence: nonsense.
Genome position (GRCh38, 1-based): chr15:92,967,404, G>T. VCF-style: chr15-92967404-G-T. GRCh37 (hg19) VCF-style: chr15-93510634-G-T.
Other names: short protein forms E694*.
Identifiers: ClinVar variation 3764703 (VCV003764703.2).